The following is an entry in ClinVar:

ClinVar aggregate classification (germline): Uncertain significance. Review status: criteria provided, multiple submitters, no conflicts (2 of 4 stars). 2 submissions from 2 submitters: Uncertain significance (2). Last evaluated 2026-08-21.

Conditions:
Hereditary cancer-predisposing syndrome. Also called: Neoplastic Syndromes, Hereditary; Hereditary Cancer Syndrome; Hereditary neoplastic syndrome; Tumor predisposition. Identifiers: Orphanet 140162, MedGen C0027672, MeSH D009386, MONDO:0015356.
Gorlin syndrome. Also called: Nevoid Basal Cell Carcinoma Syndrome; Basal cell nevus syndrome. Identifiers: Orphanet 377, MedGen C0004779, MONDO:0007187.

Allele frequency attached by ClinVar (database versions not stated): TOPMed below 0.00001; ExAC 0.00012.

Submissions (2):

Ambry Genetics
Classification: Uncertain significance for Hereditary cancer-predisposing syndrome. Last evaluated: 2026-08-21. Review status: criteria provided, single submitter. Criteria: Ambry Variant Classification Scheme 2023. Collection method: clinical testing. Allele origin: germline.
Comment: The p.E1257K variant (also known as c.3769G>A), located in coding exon 22 of the PTCH1 gene, results from a G to A substitution at nucleotide position 3769. The glutamic acid at codon 1257 is replaced by lysine, an amino acid with similar properties. This amino acid position is highly conserved in available vertebrate species. In addition, this alteration is predicted to be deleterious by in silico analysis. Based on the available evidence, the clinical significance of this variant remains unclear.

Labcorp Genetics (formerly Invitae), Labcorp
Classification: Uncertain significance for Gorlin syndrome. Last evaluated: 2026-01-12. Review status: criteria provided, single submitter. Criteria: Invitae Variant Classification Sherloc (09022015). Collection method: clinical testing. Allele origin: germline.
Comment: This sequence change replaces glutamic acid, which is acidic and polar, with lysine, which is basic and polar, at codon 1257 of the PTCH1 protein (p.Glu1257Lys). The frequency data for this variant in the population databases is considered unreliable, as metrics indicate poor data quality at this position in the gnomAD database. This variant has not been reported in the literature in individuals affected with PTCH1-related conditions. ClinVar contains an entry for this variant (Variation ID: 665161). Invitae Evidence Modeling of protein sequence and biophysical properties (such as structural, functional, and spatial information, amino acid conservation, physicochemical variation, residue mobility, and thermodynamic stability) indicates that this missense variant is not expected to disrupt PTCH1 protein function with a negative predictive value of 95%. In summary, the available evidence is currently insufficient to determine the role of this variant in disease. Therefore, it has been classified as a Variant of Uncertain Significance.

NM_000264.5(PTCH1):c.3769G>A (p.Glu1257Lys)

Gene: PTCH1 (patched 1; minus strand). Cytogenetic location: 9q22.32.
Variant type: single nucleotide variant.
Coding change: c.3769G>A on transcript NM_000264.5 (MANE Select); coding-DNA position 3769, G replaced by A.
Protein change: p.Glu1257Lys; replaces glutamic acid 1257 with lysine.
Molecular consequence: missense variant. On other transcripts: non-coding transcript variant (1).
Genome position (GRCh38, 1-based): chr9:95,449,104, C>T on the plus strand (G>A on the coding strand, the complement: PTCH1 is on the minus strand). VCF-style: chr9-95449104-C-T. GRCh37 (hg19) VCF-style: chr9-98211386-C-T.
Other names: c.3571G>A, p.Glu1191Lys (NM_001083602.3); c.3766G>A, p.Glu1256Lys (NM_001083603.3); c.3316G>A, p.Glu1106Lys (NM_001083604.3, NM_001083605.3, NM_001083606.3 and 1 more transcripts); c.3613G>A, p.Glu1205Lys (NM_001354918.2); short protein forms E1257K, E1106K, E1191K, E1205K, E1256K.
Identifiers: ClinVar variation 665161 (VCV000665161.15), dbSNP rs750397931, ClinGen allele CA5138065.